The following is an entry in ClinVar:

NM_000548.5(TSC2):c.5291G>A (p.Ser1764Asn)

Gene: TSC2 (TSC complex subunit 2; plus strand). Cytogenetic location: 16p13.3.
Variant type: single nucleotide variant.
Coding change: c.5291G>A on transcript NM_000548.5 (MANE Select); coding-DNA position 5291, G replaced by A.
Protein change: p.Ser1764Asn; replaces serine 1764 with asparagine.
Molecular consequence: missense variant.
Genome position (GRCh38, 1-based): chr16:2,088,477, G>A. VCF-style: chr16-2088477-G-A. GRCh37 (hg19) VCF-style: chr16-2138478-G-A.
Other names: c.5090G>A, p.Ser1697Asn (NM_001077183.3); c.5222G>A, p.Ser1741Asn (NM_001114382.3); c.4982G>A, p.Ser1661Asn (NM_001318827.2); c.4946G>A, p.Ser1649Asn (NM_001318829.2); c.4559G>A, p.Ser1520Asn (NM_001318831.2); c.5123G>A, p.Ser1708Asn (NM_001318832.2); c.5093G>A, p.Ser1698Asn (NM_001363528.2); c.5159G>A, p.Ser1720Asn (NM_001370404.1); and 3 more; short protein forms S1764N, S1649N, S1717N, S1698N, S1708N, S1520N, S1720N, S1661N.
Identifiers: ClinVar variation 448738 (VCV000448738.26), dbSNP rs138831802, ClinGen allele CA276759923.
Genomic context (GRCh38, chr16:2,088,477, plus strand): 5'-CTTACTGCCCAAGCCGCCTCTGCCTTCAGATCTGCGAGGAAGCCGCCTACTCCAACCCCA[G>A]CCTACCTCTGGTGCACCCTCCGTCCCATAGCAAAGCCCCTGCACAGACTCCAGCCGAGCC-3'
Protein context (NP_000539.2, residues 1754-1774): ICEEAAYSNP[Ser1764Asn]LPLVHPPSHS

ClinVar aggregate classification (germline): Conflicting classifications of pathogenicity. Review status: criteria provided, conflicting classifications (1 of 4 stars). 9 submissions from 9 submitters: Uncertain significance (6); Benign (1); Likely benign (2). Last evaluated 2026-08-03.

Conditions:
TSC2-related disorder. Also called: TSC2-Related Disorders; TSC2-related condition.
Hereditary cancer-predisposing syndrome. Also called: Tumor predisposition; Hereditary neoplastic syndrome; Neoplastic Syndromes, Hereditary; Hereditary Cancer Syndrome. Identifiers: Orphanet 140162, MedGen C0027672, MeSH D009386, MONDO:0015356.
Tuberous sclerosis syndrome (TSC). Also called: Tuberous Sclerosis Complex; Tuberous sclerosis. Identifiers: Orphanet 805, MedGen C0041341, MONDO:0001734.
Tuberous sclerosis 2 (TSC2). Identifiers: Orphanet 805, MedGen C1860707, MONDO:0013199, OMIM 613254.

Allele frequency attached by ClinVar (database versions not stated): gnomAD 0.00001; gnomAD exomes 0.00001; TOPMed 0.00003; ESP Exome Variant Server 0.00008.
gnomAD v4.1: 5 of 1,612,750 alleles (0.00031%); highest among the groups gnomAD compares: Non-Finnish European, 0.00042%; no homozygotes.

Submissions (9):

PreventionGenetics, part of Exact Sciences
Classification: Likely benign for TSC2-related condition. Last evaluated: 2026-08-03. Review status: criteria provided, single submitter. Criteria: ACMG Guidelines, 2015. Collection method: clinical testing. Allele origin: germline.
Comment: This variant is classified as likely benign based on ACMG/AMP sequence variant interpretation guidelines (Richards et al. 2015 PMID: 25741868, with internal and published modifications).

Labcorp Genetics (formerly Invitae), Labcorp
Classification: Benign for Tuberous sclerosis 2. Last evaluated: 2026-01-28. Review status: criteria provided, single submitter. Criteria: Invitae Variant Classification Sherloc (09022015). Collection method: clinical testing. Allele origin: germline.

All of Us Research Program, National Institutes of Health
Classification: Uncertain significance for Tuberous sclerosis syndrome. Last evaluated: 2024-06-17. Review status: criteria provided, single submitter. Criteria: ACMG Guidelines, 2015. Collection method: clinical testing. Allele origin: germline. Inheritance: Autosomal dominant inheritance. Observed: 4 variant alleles, 4 heterozygotes.
Comment: This missense variant replaces serine with asparagine at codon 1764 of the TSC2 protein. Computational prediction suggests that this variant may not impact protein structure and function (internally defined REVEL score threshold <= 0.5, PMID: 27666373). To our knowledge, functional studies have not been reported for this variant. This variant has not been reported in individuals affected with TSC2-related disorders in the literature. This variant has been identified in 2/250258 chromosomes in the general population by the Genome Aggregation Database (gnomAD). The available evidence is insufficient to determine the role of this variant in disease conclusively. Therefore, this variant is classified as a Variant of Uncertain Significance.

This study involves interpretation of variants in research participants for the purpose of population health screening. Participant phenotype was not available at the time of variant classification. Additional details can be found in publication PMID: 35346344, PMCID: PMC8962531

Color Diagnostics, LLC DBA Color Health
Classification: Uncertain significance for Tuberous sclerosis syndrome. Last evaluated: 2024-06-05. Review status: criteria provided, single submitter. Criteria: ACMG Guidelines, 2015. Collection method: clinical testing. Allele origin: germline.
Comment: This missense variant replaces serine with asparagine at codon 1764 of the TSC2 protein. Computational prediction suggests that this variant may not impact protein structure and function. To our knowledge, functional studies have not been reported for this variant. This variant has not been reported in individuals affected with TSC2-related disorders in the literature. This variant has been identified in 2/250258 chromosomes in the general population by the Genome Aggregation Database (gnomAD). The available evidence is insufficient to determine the role of this variant in disease conclusively. Therefore, this variant is classified as a Variant of Uncertain Significance.

Ambry Genetics
Classification: Likely benign for Hereditary cancer-predisposing syndrome. Last evaluated: 2023-03-01. Review status: criteria provided, single submitter. Criteria: Ambry Variant Classification Scheme 2023. Collection method: clinical testing. Allele origin: germline.

Genome-Nilou Lab
Classification: Uncertain significance for Tuberous sclerosis 2. Last evaluated: 2021-11-07. Review status: criteria provided, single submitter. Criteria: ACMG Guidelines, 2015. Collection method: clinical testing. Allele origin: germline. Affected: no.

GeneDx
Classification: Uncertain significance. Last evaluated: 2020-12-09. Review status: criteria provided, single submitter. Criteria: GeneDx Variant Classification Process June 2021. Collection method: clinical testing. Allele origin: germline. Affected: yes.
Comment: In silico analysis supports that this missense variant does not alter protein structure/function; Has not been previously published as pathogenic or benign to our knowledge

Athena Diagnostics
Classification: Uncertain significance. Last evaluated: 2017-07-24. Review status: criteria provided, single submitter. Criteria: Athena Diagnostics Criteria. Collection method: clinical testing. Allele origin: germline.

Quest Diagnostics Nichols Institute San Juan Capistrano
Classification: Uncertain significance. Last evaluated: 2017-07-24. Review status: criteria provided, single submitter. Criteria: Quest Diagnostics criteria. Collection method: clinical testing. Allele origin: unknown.
Comment: To the best of our knowledge, this variant has not been reported in the published literature. The frequency of this variant in the general population, 0.000008 (2/250258 chromosomes), is uninformative in assessment of its pathogenicity. Analysis of this variant using bioinformatics tools for the prediction of the effect of amino acid changes on protein structure and function yielded predictions that this variant is benign. Based on the available information, we are unable to determine the clinical significance of this variant.